The following is an entry in ClinVar:

ClinVar aggregate classification (germline): Pathogenic/Likely pathogenic. Review status: criteria provided, multiple submitters, no conflicts (2 of 4 stars). 12 submissions from 12 submitters: Pathogenic (11); Likely pathogenic (1). Last evaluated 2026-06-19.

Conditions:
Cardiovascular phenotype. Identifiers: MedGen CN230736.
Cardiomyopathy (CMYO). Also called: Cardiomyopathies. Identifiers: Orphanet 167848, MedGen C0878544, MONDO:0004994, HP:0001638. Inheritance: Various modes of inheritance.
Arrhythmogenic right ventricular cardiomyopathy (ARVD). Also called: Arrhythmogenic right ventricular dysplasia; Cardiomyopathy, ARVC; Arrhythmogenic cardiomyopathy; Arrhythmogenic Right Ventricular Cardiomyopathy (ARVC). Identifiers: Orphanet 247, MedGen C0349788, MeSH D019571, MONDO:0016587. Disease mechanism: loss of function. Inheritance: Various modes of inheritance.
Arrhythmogenic right ventricular dysplasia 9 (ARVD9). Also called: Arrhythmogenic Right Ventricular Dysplasia/Cardiomyopathy 9; ARRHYTHMOGENIC RIGHT VENTRICULAR DYSPLASIA, FAMILIAL, 9. Identifiers: MedGen C1836906, MONDO:0012180, OMIM 609040.

Allele frequency attached by ClinVar (database versions not stated): ExAC 0.00001; gnomAD exomes 0.00001; gnomAD 0.00003; TOPMed 0.00004.
gnomAD v4.1: 9 of 1,605,594 alleles (0.00056%); highest among the groups gnomAD compares: African/African-American, 0.011%; no homozygotes.

Submissions 1 to 10 of 12:

Molecular Diagnostic Laboratory for Inherited Cardiovascular Disease, Montreal Heart Institute
Classification: Pathogenic for Cardiovascular phenotype. Last evaluated: 2026-06-19. Review status: criteria provided, single submitter. Criteria: ACMG Guidelines, 2015. Collection method: clinical testing. Allele origin: germline. Affected: yes.

Labcorp Genetics (formerly Invitae), Labcorp
Classification: Pathogenic for Arrhythmogenic right ventricular dysplasia 9. Last evaluated: 2026-01-12. Review status: criteria provided, single submitter. Criteria: Invitae Variant Classification Sherloc (09022015). Collection method: clinical testing. Allele origin: germline.
Comment: This sequence change affects an acceptor splice site in intron 7 of the PKP2 gene. It is expected to disrupt RNA splicing. Variants that disrupt the donor or acceptor splice site typically lead to a loss of protein function (PMID: 16199547), and loss-of-function variants in PKP2 are known to be pathogenic (PMID: 15489853, 17041889, 23911551). This variant is present in population databases (rs78897684, gnomAD 0.02%). Disruption of this splice site has been observed in individuals with arrhythmogenic right ventricular cardiomyopathy (PMID: 19863551, 20400443, 27532257). This variant is also known as 1690-1G>C. ClinVar contains an entry for this variant (Variation ID: 201989). Algorithms developed to predict the effect of sequence changes on RNA splicing suggest that this variant may disrupt the consensus splice site. For these reasons, this variant has been classified as Pathogenic.

Variantyx, Inc.
Classification: Pathogenic for Arrhythmogenic right ventricular dysplasia 9. Last evaluated: 2025-12-10. Review status: criteria provided, single submitter. Criteria: Variantyx Assertion Criteria 2022. Collection method: clinical testing. Allele origin: germline. Inheritance: Autosomal dominant inheritance. Affected: yes.
Comment: This is a canonical splicing variant in the PKP2 gene (OMIM: 602861). Pathogenic variants in this gene have been associated with autosomal dominant arrhythmogenic right ventricular dysplasia 9. This splicing variant is expected to result in loss of function, which is a known disease mechanism for PKP2 in this disorder (PMID: 15489853, 23911551) (PVS1). The frequency of this variant in affected individuals is significantly increased compared to controls (PMID: 35536239) (PS4). The alteration has a 0.0107% maximum allele frequency in non-founder control populations. It has been reported in the heterozygous state in at least 5 unrelated affected individuals (PMID: 27532257, 20400443, 27831900, 30790397, 31402444). Based on the current evidence, this variant is classified as pathogenic for autosomal dominant arrhythmogenic right ventricular dysplasia 9.

Genomic Medicine Center of Excellence, King Faisal Specialist Hospital and Research Centre
Classification: Pathogenic for Arrhythmogenic right ventricular dysplasia 9. Last evaluated: 2025-09-10. Review status: criteria provided, single submitter. Criteria: ACMG Guidelines, 2015. Collection method: clinical testing. Allele origin: germline.

Color Diagnostics, LLC DBA Color Health
Classification: Likely pathogenic for Cardiomyopathy. Last evaluated: 2025-07-18. Review status: criteria provided, single submitter. Criteria: ACMG Guidelines, 2015. Collection method: clinical testing. Allele origin: germline.
Comment: This variant causes a G to C nucleotide substitution at the -1 position of intron 7 of the PKP2 gene. Splice site prediction tools predict that this variant may have a significant impact on RNA splicing. Although this prediction has not been confirmed in published RNA studies, this variant is expected to result in an absent or disrupted protein product. This variant has been reported in at least 3 individuals affected with arrhythmogenic right ventricular cardiomyopathy/dysplasia (PMID: 19863551, 20400443, 27532257, 30790397) and in one individual affected with dilated cardiomyopathy (PMID: 36129056). This variant has been identified in 5/281516 chromosomes in the general population by the Genome Aggregation Database (gnomAD). Loss of PKP2 function is a known mechanism of disease. Based on the available evidence, this variant is classified as Likely Pathogenic.

Dasa
Classification: Pathogenic. Last evaluated: 2025-07-07. Review status: criteria provided, single submitter. Criteria: DASA Assertion Criteria. Collection method: clinical testing. Allele origin: germline.
Comment: NM_001005242.3(PKP2):c.1557-1G>C introduces a premature termination codon predicted to result in loss of normal protein function. Loss-of-function is an established mechanism of disease for this gene. This variant results in the same amino acid change as a previously established pathogenic variant. This variant has been recurrently observed in individuals with related phenotype (PMID: 19863551; PMID: 20400443). The variant is present at low frequency in population datasets. Based on the available data, this variant is classified as pathogenic.

CeGaT Center for Human Genetics Tuebingen
Classification: Pathogenic. Last evaluated: 2025-06-01. Review status: criteria provided, single submitter. Criteria: CeGaT Center For Human Genetics Tuebingen Variant Classification Criteria Version 2. Collection method: clinical testing. Allele origin: germline. Affected: yes. Observed: 1 variant allele.
Comment: PKP2: PVS1, PS4:Moderate, PM2:Supporting

Ambry Genetics
Classification: Pathogenic for Cardiovascular phenotype. Last evaluated: 2025-03-17. Review status: criteria provided, single submitter. Criteria: Ambry Variant Classification Scheme 2023. Collection method: clinical testing. Allele origin: germline.
Comment: The c.1689-1G>C intronic variant results from a G to C substitution one nucleotide before coding exon 8 of the PKP2 gene. Alterations that disrupt the canonical splice site are expected to cause aberrant splicing, resulting in an abnormal protein or a transcript that is subject to nonsense-mediated mRNA decay. Based on data from gnomAD, the C allele has an overall frequency of 0.002% (5/281516) total alleles studied. The highest observed frequency was 0.02% (5/24954) of African alleles. This alteration, which is also known as c.1690-1G>C, has been reported in individuals with arrhythmogenic right ventricular cardiomyopathy (ARVC) (Fressart, 2010; Barahona-Dussault, 2010; Natarajan, 2016). This nucleotide position is highly conserved in available vertebrate species. In silico splice site analysis predicts that this alteration will weaken the native splice acceptor site and may result in the creation or strengthening of a novel splice acceptor site. Based on the available evidence, this alteration is classified as pathogenic.

All of Us Research Program, National Institutes of Health
Classification: Pathogenic for Arrhythmogenic right ventricular cardiomyopathy. Last evaluated: 2024-06-08. Review status: criteria provided, single submitter. Criteria: ACMG Guidelines, 2015. Collection method: clinical testing. Allele origin: germline. Inheritance: Autosomal dominant inheritance. Observed: 1 variant allele, 1 heterozygote.
Comment: The c.1689-1G>C variant of the PKP2 gene is located at the canonical acceptor splice site of the intronic region. This variant has been reported in at least six individuals affected with arrhythmogenic right ventricular cardiomyopathy/ dysplasia (ARVC/D) (PMID:20400443, 19863551, 27532257, 30790397, 35536239, 36720007). In-silico computational prediction tools suggest that the c.1689-1G>C variant likely leads to acceptor loss (SpliceAI Acceptor loss: 1), resulting in an aberrant or absence of protein product (PMID: 16199547). Loss of function variants are well known to be pathogenic for PKP2 and ClinGen score shows sufficient evidence of haploinsufficiency (PMID: 23911551, 15489853, 24704780, 29038103, 34120153). Loss of function variants downstream of this variant are reported to be pathogenic in multiple individuals with ARVC/D (PMID:16799251, 22214898, 23514727, 16415378, 27532257) and classified as pathogenic by ClinVar submitters (ClinVar ID:406551, 1072271). This variant is found to be rare (5/281516; 0.001776%) in the general population database, gnomAD and interpreted as pathogenic by several submitters in the ClinVar database (ClinVar ID: 201989). Therefore, the c.1689-1G>C variant in the PKP2 gene is classified as pathogenic.

This study involves interpretation of variants in research participants for the purpose of population health screening. Participant phenotype was not available at the time of variant classification. Additional details can be found in publication PMID: 35346344, PMCID: PMC8962531

GeneDx
Classification: Pathogenic. Last evaluated: 2023-06-23. Review status: criteria provided, single submitter. Criteria: GeneDx Variant Classification Process June 2021. Collection method: clinical testing. Allele origin: germline. Affected: yes.
Comment: Canonical splice site variant predicted to result in a null allele in a gene for which loss of function is a known mechanism of disease; Not observed at significant frequency in large population cohorts (gnomAD); This variant is associated with the following publications: (PMID: 15489853, 27532257, 27831900, 28523642, 26112193, 23911551, 31402444, 30790397, 31447099, 20400443, 35819174, 34697415)

NM_001005242.3(PKP2):c.1557-1G>C

Gene: PKP2 (plakophilin 2; minus strand). Cytogenetic location: 12p11.21.
Variant type: single nucleotide variant.
Coding change: c.1557-1G>C on transcript NM_001005242.3 (MANE Select); the canonical splice acceptor site of the intron before coding-DNA position 1557, G replaced by C.
Molecular consequence: splice acceptor variant.
Genome position (GRCh38, 1-based): chr12:32,824,163, C>G on the plus strand (G>C on the coding strand, the complement: PKP2 is on the minus strand). VCF-style: chr12-32824163-C-G. GRCh37 (hg19) VCF-style: chr12-32977097-C-G.
Other names: c.1557-1G>C (NM_001005242.2, NM_001407156.1, NM_001407155.1 and 1 more transcripts); c.1689-1G>C (NM_004572.4, NM_001407157.1); c.1230-1G>C (NM_001407160.1, NM_001407159.1, NM_001407158.1 and 1 more transcripts).
Identifiers: ClinVar variation 201989 (VCV000201989.38), dbSNP rs78897684, ClinGen allele CA011321.
Genomic context (GRCh38, chr12:32,824,163, plus strand): 5'-ATGAGTCCGTCACATCTTCTCATCGCTTTTCTCCCATCAGCGCCAGCAGAACTCATGTTT[C>G]TATCAGAAAAAACAAAAAACAAAAAAGTAAGTCTAGGCTGTGTATCCAACAGGTCTTTGT-3'